The following is an entry in ClinVar:

NM_003072.5(SMARCA4):c.2709A>C (p.Ala903=)

Gene: SMARCA4 (SWI/SNF related BAF chromatin remodeling complex subunit ATPase 4; plus strand). Cytogenetic location: 19p13.2.
Variant type: single nucleotide variant.
Coding change: c.2709A>C on transcript NM_003072.5 (MANE Select); coding-DNA position 2709, A replaced by C.
Protein change: p.Ala903=; no amino-acid change (alanine 903 retained).
Molecular consequence: synonymous variant. On other transcripts: non-coding transcript variant (1).
Genome position (GRCh38, 1-based): chr19:11,021,817, A>C. VCF-style: chr19-11021817-A-C. GRCh37 (hg19) VCF-style: chr19-11132493-A-C.
Other names: c.2709A>C, p.Ala903= (NM_001128844.3, NM_001128845.2, NM_001128846.2 and 5 more transcripts).
Identifiers: ClinVar variation 1156701 (VCV001156701.17), dbSNP rs1600278331, ClinGen allele CA505743562.

ClinVar aggregate classification (germline): Likely benign. Review status: criteria provided, multiple submitters, no conflicts (2 of 4 stars). 2 submissions from 2 submitters: Likely benign (2). Last evaluated 2025-08-01.

Conditions:
Rhabdoid tumor predisposition syndrome 2 (RTPS2). Identifiers: Orphanet 231108, Orphanet 69077, MedGen C2750074, MONDO:0013224, OMIM 613325.

Allele frequency attached by ClinVar (database versions not stated): gnomAD exomes below 0.00001.
gnomAD v4.1: 1 of 1,613,662 alleles (0.000062%); highest among the groups gnomAD compares: Non-Finnish European, 0.000085%; no homozygotes.

Submissions (2):

CeGaT Center for Human Genetics Tuebingen
Classification: Likely benign. Last evaluated: 2025-08-01. Review status: criteria provided, single submitter. Criteria: CeGaT Center For Human Genetics Tuebingen Variant Classification Criteria Version 2. Collection method: clinical testing. Allele origin: germline. Affected: yes. Observed: 1 variant allele.
Comment: SMARCA4: BP4, BP7

Labcorp Genetics (formerly Invitae), Labcorp
Classification: Likely benign for Rhabdoid tumor predisposition syndrome 2. Last evaluated: 2020-05-21. Review status: criteria provided, single submitter. Criteria: Invitae Variant Classification Sherloc (09022015). Collection method: clinical testing. Allele origin: germline.